The following is an entry in ClinVar:

ClinVar aggregate classification (germline): Uncertain significance (1 of 4 stars; one submission).

Allele frequency attached by ClinVar (database versions not stated): gnomAD 0.00001.
gnomAD v4.1: 1 of 1,610,072 alleles (0.000062%); highest among the groups gnomAD compares: African/African-American, 0.0013%; no homozygotes.

Submission:

Labcorp Genetics (formerly Invitae), Labcorp
Classification: Uncertain significance. Last evaluated: 2021-06-28. Review status: criteria provided, single submitter. Criteria: Invitae Variant Classification Sherloc (09022015). Collection method: clinical testing. Allele origin: germline.
Comment: This sequence change replaces aspartic acid with tyrosine at codon 419 of the MPDZ protein (p.Asp419Tyr). The aspartic acid residue is highly conserved and there is a large physicochemical difference between aspartic acid and tyrosine. This variant is not present in population databases (ExAC no frequency). This variant has not been reported in the literature in individuals affected with MPDZ-related conditions. Algorithms developed to predict the effect of missense changes on protein structure and function (SIFT, PolyPhen-2, Align-GVGD) all suggest that this variant is likely to be disruptive. In summary, the available evidence is currently insufficient to determine the role of this variant in disease. Therefore, it has been classified as a Variant of Uncertain Significance.

NM_001378778.1(MPDZ):c.1255G>T (p.Asp419Tyr)

Gene: MPDZ (multiple PDZ domain crumbs cell polarity complex component; minus strand). Cytogenetic location: 9p23.
Variant type: single nucleotide variant.
Coding change: c.1255G>T on transcript NM_001378778.1 (MANE Select); coding-DNA position 1255, G replaced by T.
Protein change: p.Asp419Tyr; replaces aspartic acid 419 with tyrosine.
Molecular consequence: missense variant.
Genome position (GRCh38, 1-based): chr9:13,216,809, C>A on the plus strand (G>T on the coding strand, the complement: MPDZ is on the minus strand). VCF-style: chr9-13216809-C-A. GRCh37 (hg19) VCF-style: chr9-13216808-C-A.
Other names: c.1255G>T, p.Asp419Tyr (NM_001261406.2, NM_001261407.2, NM_001330637.2 and 14 more transcripts); short protein forms D419Y.
Identifiers: ClinVar variation 1364018 (VCV001364018.8), dbSNP rs1958407028, ClinGen allele CA372944589.